The following is an entry in ClinVar:

NM_032383.5(HPS3):c.2293-5_2299del

Genes: CP (ceruloplasmin; minus strand), HPS3 (HPS3 biogenesis of lysosomal organelles complex 2 subunit 1; plus strand). Cytogenetic location: 3q24.
Variant type: Deletion.
Coding change: c.2293-5_2299del on transcript NM_032383.5 (MANE Select); 5 bases into the intron before coding-DNA position 2293 through coding-DNA position 2299, 12 bases deleted (TTAAGGTGCTTT).
Molecular consequence: splice acceptor variant. On other transcripts: non-coding transcript variant (1).
Genome position (GRCh38, 1-based): chr3:149,162,685-149,162,696, TTAAGGTGCTTT deleted; deleting any 12 consecutive bases within chr3:149,162,682-149,162,696 gives the same sequence; the c. name uses the placement nearest the transcript's 3' end. VCF-style (leftmost placement, unchanged base first): chr3-149162681-GTTTTTAAGGTGC-G. GRCh37 (hg19) VCF-style: chr3-148880468-GTTTTTAAGGTGC-G.
Other names: c.1798-5_1804del (NM_001308258.2).
Identifiers: ClinVar variation 2036321 (VCV002036321.4), dbSNP rs2473123528, ClinGen allele CA2580068955.

ClinVar aggregate classification (germline): Likely pathogenic (1 of 4 stars; one submission).

Submission:

Labcorp Genetics (formerly Invitae), Labcorp
Classification: Likely pathogenic. Last evaluated: 2022-10-20. Review status: criteria provided, single submitter. Criteria: Invitae Variant Classification Sherloc (09022015). Collection method: clinical testing. Allele origin: germline.
Comment: This variant results in the deletion of part of exon 13 (c.2293-5_2299del) of the HPS3 gene. It is expected to disrupt RNA splicing. Variants that disrupt the donor or acceptor splice site typically lead to a loss of protein function (PMID: 16199547), and loss-of-function variants in HPS3 are known to be pathogenic (PMID: 11590544). This variant is not present in population databases (gnomAD no frequency). This variant has not been reported in the literature in individuals affected with HPS3-related conditions. Algorithms developed to predict the effect of sequence changes on RNA splicing suggest that this variant may disrupt the consensus splice site. In summary, the currently available evidence indicates that the variant is pathogenic, but additional data are needed to prove that conclusively. Therefore, this variant has been classified as Likely Pathogenic.

Literature cited by the submitters: PubMed 16199547; PubMed 11590544.